The following is an entry in ClinVar:

ClinVar aggregate classification (germline): Uncertain significance (1 of 4 stars; one submission).

Allele frequency attached by ClinVar (database versions not stated): TOPMed below 0.00001; gnomAD 0.00001; gnomAD exomes 0.00001.
gnomAD v4.1: 4 of 1,605,524 alleles (0.00025%); highest among the groups gnomAD compares: Admixed American, 0.0068%; no homozygotes.

Submission:

Labcorp Genetics (formerly Invitae), Labcorp
Classification: Uncertain significance. Last evaluated: 2022-11-03. Review status: criteria provided, single submitter. Criteria: Invitae Variant Classification Sherloc (09022015). Collection method: clinical testing. Allele origin: germline.
Comment: Algorithms developed to predict the effect of missense changes on protein structure and function are either unavailable or do not agree on the potential impact of this missense change (SIFT: "Tolerated"; PolyPhen-2: "Probably Damaging"; Align-GVGD: "Class C0"). In summary, the available evidence is currently insufficient to determine the role of this variant in disease. Therefore, it has been classified as a Variant of Uncertain Significance. This variant has not been reported in the literature in individuals affected with MKL1-related conditions. This variant is present in population databases (no rsID available, gnomAD 0.009%). This sequence change replaces glutamic acid, which is acidic and polar, with glycine, which is neutral and non-polar, at codon 707 of the MKL1 protein (p.Glu707Gly).

NM_020831.6(MRTFA):c.2420A>G (p.Glu807Gly)

Gene: MRTFA (myocardin related transcription factor A; minus strand). Cytogenetic location: 22q13.1.
Variant type: single nucleotide variant.
Coding change: c.2420A>G on transcript NM_020831.6 (MANE Select); coding-DNA position 2420, A replaced by G.
Protein change: p.Glu807Gly; replaces glutamic acid 807 with glycine.
Molecular consequence: missense variant.
Genome position (GRCh38, 1-based): chr22:40,417,438, T>C on the plus strand (A>G on the coding strand, the complement: MRTFA is on the minus strand). VCF-style: chr22-40417438-T-C. GRCh37 (hg19) VCF-style: chr22-40813442-T-C.
Other names: c.2120A>G, p.Glu707Gly (NM_001282660.2); c.2270A>G, p.Glu757Gly (NM_001282661.3); c.2420A>G, p.Glu807Gly (NM_001282662.3); c.2225A>G, p.Glu742Gly (NM_001318139.2); short protein forms E742G, E807G, E707G, E757G.
Identifiers: ClinVar variation 2877174 (VCV002877174.3), dbSNP rs1356873852, ClinGen allele CA411656110.